The following is an entry in ClinVar:

NM_001134363.3(RBM20):c.794_795dup (p.His266fs)

Gene: RBM20 (RNA binding motif protein 20; plus strand). Cytogenetic location: 10q25.2.
Variant type: Duplication.
Coding change: c.794_795dup on transcript NM_001134363.3 (MANE Select); coding-DNA positions 794 to 795, 2 bases duplicated (GG; older notation c.794_795dupGG).
Protein change: p.His266fs; shifts the reading frame from histidine 266.
Molecular consequence: frameshift variant.
Genome position (GRCh38, 1-based): chr10:110,781,403-110,781,404, GG duplicated; duplicating any 2 consecutive bases within chr10:110,781,402-110,781,404 gives the same sequence; the c. name uses the placement nearest the transcript's 3' end. VCF-style (leftmost placement, unchanged base first): chr10-110781401-A-AGG. GRCh37 (hg19) VCF-style: chr10-112541159-A-AGG.
Other names: c.794_795dup (LRG_382t1, NM_001134363.1); short protein forms H266fs.
Identifiers: ClinVar variation 631626 (VCV000631626.9), dbSNP rs1564844065, ClinGen allele CA913189913.

ClinVar aggregate classification (germline): Conflicting classifications of pathogenicity. Review status: criteria provided, conflicting classifications (1 of 4 stars). 3 submissions from 3 submitters: Pathogenic (1); Uncertain significance (2). Last evaluated 2025-12-08.

Conditions:
Dilated cardiomyopathy 1DD (CMD1DD). Identifiers: Orphanet 154, MedGen C2750995, MONDO:0013168, OMIM 613172.

Submissions (3):

Labcorp Genetics (formerly Invitae), Labcorp
Classification: Pathogenic for Dilated cardiomyopathy 1DD. Last evaluated: 2025-12-08. Review status: criteria provided, single submitter. Criteria: Invitae Variant Classification Sherloc (09022015). Collection method: clinical testing. Allele origin: germline.
Comment: This sequence change creates a premature translational stop signal (p.His266Glyfs*40) in the RBM20 gene. It is expected to result in an absent or disrupted protein product. Loss-of-function variants in RBM20 are known to be pathogenic (PMID: 20590677, 22004663, 38288598, 38510713, 40339755). This variant is not present in population databases (gnomAD no frequency). This variant has not been reported in the literature in individuals affected with RBM20-related conditions. ClinVar contains an entry for this variant (Variation ID: 631626). For these reasons, this variant has been classified as Pathogenic.

GeneDx
Classification: Uncertain significance. Last evaluated: 2023-03-15. Review status: criteria provided, single submitter. Criteria: GeneDx Variant Classification Process June 2021. Collection method: clinical testing. Allele origin: germline. Affected: yes.
Comment: Has not been previously published as pathogenic or benign to our knowledge; Not observed at significant frequency in large population cohorts (gnomAD); Frameshift variant predicted to result in protein truncation or nonsense mediated decay in a gene or region of a gene for which loss of function is not a well-established mechanism of disease

Fulgent Genetics
Classification: Uncertain significance for Dilated cardiomyopathy 1DD. Last evaluated: 2021-11-03. Review status: criteria provided, single submitter. Criteria: ACMG Guidelines, 2015. Collection method: clinical testing. Allele origin: unknown.

Literature cited by the submitters: PubMed 20590677 (cited by Labcorp Genetics (formerly Invitae), Labcorp); PubMed 22004663 (cited by Labcorp Genetics (formerly Invitae), Labcorp); PubMed 38288598 (cited by Labcorp Genetics (formerly Invitae), Labcorp); PubMed 38510713 (cited by Labcorp Genetics (formerly Invitae), Labcorp); PubMed 40339755 (cited by Labcorp Genetics (formerly Invitae), Labcorp).